The following is an entry in ClinVar:

NM_003482.4(KMT2D):c.16574G>T (p.Cys5525Phe)

Gene: KMT2D (lysine methyltransferase 2D; minus strand). Cytogenetic location: 12q13.12.
Variant type: single nucleotide variant.
Coding change: c.16574G>T on transcript NM_003482.4 (MANE Select); coding-DNA position 16574, G replaced by T.
Protein change: p.Cys5525Phe; replaces cysteine 5525 with phenylalanine.
Molecular consequence: missense variant.
Genome position (GRCh38, 1-based): chr12:49,021,820, C>A on the plus strand (G>T on the coding strand, the complement: KMT2D is on the minus strand). VCF-style: chr12-49021820-C-A. GRCh37 (hg19) VCF-style: chr12-49415603-C-A.
Other names: short protein forms C5525F.
Identifiers: ClinVar variation 3372625 (VCV003372625.1).
Genomic context (GRCh38, chr12:49,021,820, plus strand): 5'-CCTGGTAGCCTCAAAGCTTCTTAGTTCATCCATTTCCGACAATTCCAGGCTCCACAGTGG[C>A]AGGGGATCTTGTGCTGATCGTCCTCAAAATCAAACTGATAGTCATAGGTTAGCTGAAAAG-3'
Protein context (NP_003473.3, residues 5515-5535): DFEDDQHKIP[Cys5525Phe]HCGAWNCRKW

ClinVar aggregate classification (germline): Uncertain significance (1 of 4 stars; one submission).

Submission:

GeneDx
Classification: Uncertain significance. Last evaluated: 2024-04-16. Review status: criteria provided, single submitter. Criteria: GeneDx Variant Classification Process June 2021. Collection method: clinical testing. Allele origin: germline. Affected: yes.
Comment: Not observed at significant frequency in large population cohorts (gnomAD); In silico analysis supports that this missense variant has a deleterious effect on protein structure/function; Has not been previously published as pathogenic or benign to our knowledge